The following is an entry in ClinVar:

ClinVar aggregate classification (germline): Uncertain significance. Review status: criteria provided, multiple submitters, no conflicts (2 of 4 stars). 2 submissions from 2 submitters: Uncertain significance (2). Last evaluated 2025-08-23.

Allele frequency attached by ClinVar (database versions not stated): TOPMed 0.00004; gnomAD 0.00001.

Submissions (2):

Ambry Genetics
Classification: Uncertain significance. Last evaluated: 2025-08-23. Review status: criteria provided, single submitter. Criteria: Ambry Variant Classification Scheme 2023. Collection method: clinical testing. Allele origin: germline.

Labcorp Genetics (formerly Invitae), Labcorp
Classification: Uncertain significance. Last evaluated: 2025-04-01. Review status: criteria provided, single submitter. Criteria: Invitae Variant Classification Sherloc (09022015). Collection method: clinical testing. Allele origin: germline.
Comment: This sequence change replaces lysine, which is basic and polar, with isoleucine, which is neutral and non-polar, at codon 480 of the HYOU1 protein (p.Lys480Ile). This variant is not present in population databases (gnomAD no frequency). This variant has not been reported in the literature in individuals affected with HYOU1-related conditions. ClinVar contains an entry for this variant (Variation ID: 2983766). An algorithm developed to predict the effect of missense changes on protein structure and function (PolyPhen-2) suggests that this variant is likely to be disruptive. In summary, the available evidence is currently insufficient to determine the role of this variant in disease. Therefore, it has been classified as a Variant of Uncertain Significance.

NM_006389.5(HYOU1):c.1439A>T (p.Lys480Ile)

Gene: HYOU1 (hypoxia up-regulated 1; minus strand). Cytogenetic location: 11q23.3.
Variant type: single nucleotide variant.
Coding change: c.1439A>T on transcript NM_006389.5 (MANE Select); coding-DNA position 1439, A replaced by T.
Protein change: p.Lys480Ile; replaces lysine 480 with isoleucine.
Molecular consequence: missense variant.
Genome position (GRCh38, 1-based): chr11:119,051,525, T>A on the plus strand (A>T on the coding strand, the complement: HYOU1 is on the minus strand). VCF-style: chr11-119051525-T-A. GRCh37 (hg19) VCF-style: chr11-118922237-T-A.
Other names: c.1439A>T (NM_006389.3); c.1439A>T, p.Lys480Ile (NM_001130991.3, NM_001411041.1); short protein forms K480I.
Identifiers: ClinVar variation 2983766 (VCV002983766.4), dbSNP rs997792579, ClinGen allele CA229621868.
Genomic context (GRCh38, chr11:119,051,525, plus strand): 5'-AGGTCGCCGTAGTTGATGTGGAAGTTGAAATCATGGCTGTAGCGGTTAAAGGTGATGACT[T>A]TGCGTTGAGGGTAGGGCCCCATCCGAGAGAAGAGTACCCGTTTATTGTGCTTCAGGCTGT-3'
Protein context (NP_006380.1, residues 470-490): FSRMGPYPQR[Lys480Ile]VITFNRYSHD